The following is an entry in ClinVar:

NM_000059.4(BRCA2):c.-296C>T

Genes: BRCA2 (BRCA2 DNA repair associated; plus strand), LOC106721785 (BRCA2 promoter/silencer region; plus strand). Cytogenetic location: 13q13.1.
Variant type: single nucleotide variant.
Coding change: c.-296C>T on transcript NM_000059.4 (MANE Select); 296 bases upstream of the start codon, C replaced by T.
Genome position (GRCh38, 1-based): chr13:32,315,411, C>T. VCF-style: chr13-32315411-C-T. GRCh37 (hg19) VCF-style: chr13-32889548-C-T.
Identifiers: ClinVar variation 1166054 (VCV001166054.44), dbSNP rs563971900, ClinGen allele CA247477984.

ClinVar aggregate classification (germline): Benign/Likely benign. Review status: criteria provided, multiple submitters, no conflicts (2 of 4 stars). 4 submissions from 4 submitters: Benign (1); Likely benign (3). Last evaluated 2026-09-01.

Conditions:
Hereditary breast ovarian cancer syndrome. Also called: Hereditary breast and ovarian cancer syndrome; Hereditary breast and/or ovarian cancer syndrome; Breast and ovarian cancer; BRCA1- and BRCA2-Associated Hereditary Breast and Ovarian Cancer; Hereditary breast and ovarian cancer; Hereditary breast and ovarian cancer syndrome (HBOC). Identifiers: Orphanet 145, MedGen C0677776, MeSH D061325, MONDO:0003582. Disease mechanism: loss of function.
Hereditary cancer-predisposing syndrome. Also called: Hereditary neoplastic syndrome; Tumor predisposition; Neoplastic Syndromes, Hereditary; Hereditary Cancer Syndrome. Identifiers: Orphanet 140162, MedGen C0027672, MeSH D009386, MONDO:0015356.
Breast-ovarian cancer, familial, susceptibility to, 2 (BROVCA2). Also called: BRCA2 Hereditary Breast and Ovarian Cancer. Identifiers: Orphanet 145, MedGen C2675520, MONDO:0012933, OMIM 612555. Disease mechanism: loss of function.

Allele frequency attached by ClinVar (database versions not stated): 1000 Genomes Project 0.00040; 1000 Genomes Project 30x 0.00047; TOPMed 0.00097; gnomAD 0.00216 and 0.00228; gnomAD exomes 0.06250.
gnomAD v4.1: 327 of 152,386 alleles (0.21%); highest among the groups gnomAD compares: Non-Finnish European, 0.26%; no homozygotes.

Submissions (4):

CeGaT Center for Human Genetics Tuebingen
Classification: Likely benign. Last evaluated: 2026-09-01. Review status: criteria provided, single submitter. Criteria: CeGaT Center For Human Genetics Tuebingen Variant Classification Criteria Version 2. Collection method: clinical testing. Allele origin: germline. Affected: yes. Observed: 51 variant alleles.
Comment: BRCA2: BS1

Labcorp Genetics (formerly Invitae), Labcorp
Classification: Benign for Hereditary breast ovarian cancer syndrome. Last evaluated: 2025-08-07. Review status: criteria provided, single submitter. Criteria: Invitae Variant Classification Sherloc (09022015). Collection method: clinical testing. Allele origin: germline.

Institute of Human Genetics, University of Leipzig Medical Center
Classification: Likely benign for Breast-ovarian cancer, familial, susceptibility to, 2. Last evaluated: 2023-01-10. Review status: criteria provided, single submitter. Criteria: ACMG Guidelines, 2015. Collection method: clinical testing. Allele origin: unknown. Inheritance: Autosomal dominant inheritance. Affected: yes.
Comment: Criteria applied: PS3_SUP, BS1, BP4. Functional data shows a reduced promotor activity, but assessments on protein functionality are lacking.

Sema4
Classification: Likely benign for Hereditary cancer-predisposing syndrome. Last evaluated: 2021-01-26. Review status: criteria provided, single submitter. Criteria: Sema4 Curation Guidelines. Collection method: curation. Allele origin: germline.